The following is an entry in ClinVar:

NM_024301.5(FKRP):c.911C>T (p.Thr304Met)

Gene: FKRP (fukutin related protein; plus strand). Cytogenetic location: 19q13.32.
Variant type: single nucleotide variant.
Coding change: c.911C>T on transcript NM_024301.5 (MANE Select); coding-DNA position 911, C replaced by T.
Protein change: p.Thr304Met; replaces threonine 304 with methionine.
Molecular consequence: missense variant.
Genome position (GRCh38, 1-based): chr19:46,756,361, C>T. VCF-style: chr19-46756361-C-T. GRCh37 (hg19) VCF-style: chr19-47259618-C-T.
Other names: c.911C>T, p.Thr304Met (NM_001039885.3); short protein forms T304M.
Identifiers: ClinVar variation 1765872 (VCV001765872.2), dbSNP rs2054922469, ClinGen allele CA406496268.

ClinVar aggregate classification (germline): Uncertain significance (1 of 4 stars; one submission).

Conditions:
Cardiovascular phenotype. Identifiers: MedGen CN230736.

Allele frequency attached by ClinVar (database versions not stated): gnomAD exomes below 0.00001.

Submission:

Ambry Genetics
Classification: Uncertain significance for Cardiovascular phenotype. Last evaluated: 2022-04-09. Review status: criteria provided, single submitter. Criteria: Ambry Variant Classification Scheme 2023. Collection method: clinical testing. Allele origin: germline.
Comment: The p.T304M variant (also known as c.911C>T), located in coding exon 1 of the FKRP gene, results from a C to T substitution at nucleotide position 911. The threonine at codon 304 is replaced by methionine, an amino acid with similar properties. This amino acid position is conserved. In addition, the in silico prediction for this alteration is inconclusive. Since supporting evidence is limited at this time, the clinical significance of this alteration remains unclear.